The following is an entry in ClinVar:

NM_007294.4(BRCA1):c.3872_3873insC (p.Ser1292fs)

Genes: BRCA1 (BRCA1 DNA repair associated; minus strand), LOC126862571 (BRD4-independent group 4 enhancer GRCh37_chr17:41243136-41244335; plus strand). Cytogenetic location: 17q21.31.
Variant type: Insertion.
Coding change: c.3872_3873insC on transcript NM_007294.4 (MANE Select); coding-DNA positions 3872 to 3873, C inserted.
Protein change: p.Ser1292fs; shifts the reading frame from serine 1292.
Molecular consequence: frameshift variant. On other transcripts: intron variant (135).
Genome position: GRCh38 VCF-style: chr17-43091658-A-AG. GRCh37 (hg19) VCF-style: chr17-41243675-A-AG.
Other names: c.785-627_785-626insC (NM_001408397.1, NM_001408401.1, NM_001408396.1 and 13 more transcripts); c.665-627_665-626insC (NM_001408436.1, NM_001408444.1, NM_001408438.1 and 12 more transcripts); c.788-627_788-626insC (NM_001407980.1, NM_001407993.1, NM_001407976.1 and 17 more transcripts); c.653-627_653-626insC (NM_001408451.1); c.644-627_644-626insC (NM_001408464.1, NM_001408468.1, NM_001408465.1 and 3 more transcripts); c.524-627_524-626insC (NM_001408498.1, NM_001408501.1, NM_001408500.1 and 3 more transcripts); c.647-627_647-626insC (NM_001408467.1, NM_001408459.1, NM_001408455.1 and 11 more transcripts); c.584-627_584-626insC (NM_001408475.1); and 41 more; short protein forms S1292fs, S1245fs, S1203fs, S1221fs, S1251fs, S1265fs, S1291fs, S996fs.
Identifiers: ClinVar variation 548287 (VCV000548287.2), dbSNP rs1555586891, ClinGen allele CA658825034.

ClinVar aggregate classification (germline): Pathogenic (3 of 4 stars; one submission).

Conditions:
Breast-ovarian cancer, familial, susceptibility to, 1 (BROVCA1). Also called: BRCA1 Hereditary Breast and Ovarian Cancer; OVARIAN CANCER, SUSCEPTIBILITY TO. Identifiers: Orphanet 145, MedGen C2676676, MONDO:0011450, OMIM 604370. Disease mechanism: loss of function.

Submission:

Evidence-based Network for the Interpretation of Germline Mutant Alleles (ENIGMA)
Classification: Pathogenic for Breast-ovarian cancer, familial, susceptibility to, 1. Last evaluated: 2017-12-15. Review status: reviewed by expert panel. Criteria: ENIGMA BRCA1/2 Classification Criteria (2017-06-29). Collection method: curation. Allele origin: germline. Study: ENIGMA.
Comment: Variant allele predicted to encode a truncated non-functional protein.